The following is an entry in ClinVar:

ClinVar aggregate classification (germline): Likely benign (0 of 4 stars; one submission).

Conditions:
REST-related disorder. Also called: REST-related condition.

Allele frequency attached by ClinVar (database versions not stated): TOPMed 0.00002.
gnomAD v4.1: 10 of 1,614,064 alleles (0.00062%); highest among the groups gnomAD compares: Admixed American, 0.0033%; no homozygotes.

Submission:

PreventionGenetics, part of Exact Sciences
Classification: Likely benign for REST-related condition. Last evaluated: 2023-03-22. Review status: no assertion criteria provided. Collection method: clinical testing. Allele origin: germline.
Comment: This variant is classified as likely benign based on ACMG/AMP sequence variant interpretation guidelines (Richards et al. 2015 PMID: 25741868, with internal and published modifications).

NM_005612.5(REST):c.2340G>A (p.Glu780=)

Gene: REST (RE1 silencing transcription factor; plus strand). Cytogenetic location: 4q12.
Variant type: single nucleotide variant.
Coding change: c.2340G>A on transcript NM_005612.5 (MANE Select); coding-DNA position 2340, G replaced by A.
Protein change: p.Glu780=; no amino-acid change (glutamic acid 780 retained).
Molecular consequence: synonymous variant.
Genome position (GRCh38, 1-based): chr4:56,931,198, G>A. VCF-style: chr4-56931198-G-A. GRCh37 (hg19) VCF-style: chr4-57797364-G-A.
Other names: c.2340G>A, p.Glu780= (NM_001193508.2, NM_001363453.3).
Identifiers: ClinVar variation 3031292 (VCV003031292.2), dbSNP rs1015434923, ClinGen allele CA439636317.